The following is an entry in ClinVar:

ClinVar aggregate classification (germline): Conflicting classifications of pathogenicity. Review status: criteria provided, conflicting classifications (1 of 4 stars). 3 submissions from 3 submitters: Uncertain significance (1); Likely benign (2). Last evaluated 2024-06-06.

Conditions:
Neurofibromatosis, type 1 (NF1). Also called: NEUROFIBROMATOSIS, TYPE I, SOMATIC; Peripheral type neurofibromatosis; Neurofibromatosis, type I; VON RECKLINGHAUSEN DISEASE. Identifiers: Orphanet 636, MedGen C0027831, MONDO:0018975, OMIM 162200. Disease mechanism: loss of function.
Hereditary cancer-predisposing syndrome. Also called: Neoplastic Syndromes, Hereditary; Hereditary Cancer Syndrome; Tumor predisposition; Hereditary neoplastic syndrome. Identifiers: Orphanet 140162, MedGen C0027672, MeSH D009386, MONDO:0015356.
Cardiovascular phenotype. Identifiers: MedGen CN230736.

Submissions (3):

Labcorp Genetics (formerly Invitae), Labcorp
Classification: Likely benign for Neurofibromatosis, type 1. Last evaluated: 2024-06-06. Review status: criteria provided, single submitter. Criteria: Invitae Variant Classification Sherloc (09022015). Collection method: clinical testing. Allele origin: germline.

Ambry Genetics
Classification: Likely benign for Cardiovascular phenotype; Hereditary cancer-predisposing syndrome. Last evaluated: 2022-02-02. Review status: criteria provided, single submitter. Criteria: Ambry Variant Classification Scheme 2023. Collection method: clinical testing. Allele origin: germline.

GeneDx
Classification: Uncertain significance. Last evaluated: 2019-10-15. Review status: criteria provided, single submitter. Criteria: GeneDx Variant Classification Process June 2021. Collection method: clinical testing. Allele origin: germline. Affected: yes.
Comment: Not observed in large population cohorts (Lek et al., 2016); Has not been previously published as pathogenic or benign to our knowledge; In silico analysis, which includes splice predictors and evolutionary conservation, suggests this variant may impact gene splicing. In the absence of RNA/functional studies, the actual effect of this sequence change is unknown.

NM_001042492.3(NF1):c.1560C>T (p.Gly520=)

Gene: NF1 (neurofibromin 1; plus strand). Cytogenetic location: 17q11.2.
Variant type: single nucleotide variant.
Coding change: c.1560C>T on transcript NM_001042492.3 (MANE Select); coding-DNA position 1560, C replaced by T.
Protein change: p.Gly520=; no amino-acid change (glycine 520 retained).
Molecular consequence: synonymous variant.
Genome position (GRCh38, 1-based): chr17:31,219,037, C>T. VCF-style: chr17-31219037-C-T. GRCh37 (hg19) VCF-style: chr17-29546055-C-T.
Other names: c.1560C>T, p.Gly520= (NM_000267.4, NM_001128147.3).
Identifiers: ClinVar variation 1318674 (VCV001318674.7), dbSNP rs112168406, ClinGen allele CA289359105.